The following is an entry in ClinVar:

ClinVar aggregate classification (germline): Uncertain significance (1 of 4 stars; one submission).

Submission:

Women's Health and Genetics/Laboratory Corporation of America, LabCorp
Classification: Uncertain significance. Last evaluated: 2022-12-14. Review status: criteria provided, single submitter. Criteria: LabCorp Variant Classification Summary - May 2015. Collection method: clinical testing. Allele origin: germline.
Comment: Variant summary: SPG7 c.2051_2052delinsAC (p.Met684Asn) results in a non-conservative amino acid change located in the Peptidase M41 domain (IPR000642) of the encoded protein sequence. One of two in-silico tools predict a benign effect of the variant on protein function. The variant allele was found at a frequency of 8e-06 in 250076 control chromosomes (gnomAD). The available data on variant occurrences in the general population are insufficient to allow any conclusion about variant significance. To our knowledge, no occurrence of c.2051_2052delinsAC in individuals affected with Hereditary Spastic Paraplegia 7 and no experimental evidence demonstrating its impact on protein function have been reported. No clinical diagnostic laboratories have submitted clinical-significance assessments for this variant to ClinVar after 2014. Based on the evidence outlined above, the variant was classified as uncertain significance.

NM_003119.4(SPG7):c.2051_2052delinsAC (p.Met684Asn)

Gene: SPG7 (SPG7 matrix AAA peptidase subunit, paraplegin; plus strand). Cytogenetic location: 16q24.3.
Variant type: Indel.
Coding change: c.2051_2052delinsAC on transcript NM_003119.4 (MANE Select); coding-DNA positions 2051 to 2052, TG replaced by AC.
Protein change: p.Met684Asn; replaces methionine 684 with asparagine.
Molecular consequence: missense variant.
Genome position (GRCh38, 1-based): chr16:89,553,908-89,553,909, TG replaced by AC. VCF-style: chr16-89553908-TG-AC. GRCh37 (hg19) VCF-style: chr16-89620316-TG-AC.
Other names: c.2051_2052delinsAC, p.Met684Asn (NM_001363850.1); short protein forms M684N.
Identifiers: ClinVar variation 1878297 (VCV001878297.1), dbSNP rs2543850067, ClinGen allele CA2580092302.